The following is an entry in ClinVar:

ClinVar aggregate classification (germline): Uncertain significance (1 of 4 stars; one submission).

Conditions:
Arrhythmogenic cardiomyopathy with wooly hair and keratoderma. Also called: PALMOPLANTAR KERATODERMA WITH LEFT VENTRICULAR CARDIOMYOPATHY AND WOOLLY HAIR; Carvajal syndrome; Dilated cardiomyopathy with woolly hair and keratoderma; Arrhythmogenic cardiomyopathy with woolly hair and keratoderma. Identifiers: Orphanet 65282, MedGen C1854063, MONDO:0011581, OMIM 605676.

Submission:

All of Us Research Program, National Institutes of Health
Classification: Uncertain significance for Arrhythmogenic cardiomyopathy with wooly hair and keratoderma. Last evaluated: 2023-12-13. Review status: criteria provided, single submitter. Criteria: ACMG Guidelines, 2015. Collection method: clinical testing. Allele origin: germline. Inheritance: Autosomal dominant inheritance. Observed: 1 variant allele, 1 heterozygote.
Comment: This missense variant replaces leucine with valine at codon 354 of the DSP protein. Computational prediction suggests that this variant may not impact protein structure and function (internally defined REVEL score threshold <= 0.5, PMID: 27666373). To our knowledge, functional studies have not been reported for this variant. This variant has not been reported in individuals affected with DSP-related disorders in the literature. This variant has not been identified in the general population by the Genome Aggregation Database (gnomAD). The available evidence is insufficient to determine the role of this variant in disease conclusively. Therefore, this variant is classified as a Variant of Uncertain Significance.

This study involves interpretation of variants in research participants for the purpose of population health screening. Participant phenotype was not available at the time of variant classification. Additional details can be found in publication PMID: 35346344, PMCID: PMC8962531

NM_004415.4(DSP):c.1060C>G (p.Leu354Val)

Gene: DSP (desmoplakin; plus strand). Cytogenetic location: 6p24.3.
Variant type: single nucleotide variant.
Coding change: c.1060C>G on transcript NM_004415.4 (MANE Select); coding-DNA position 1060, C replaced by G.
Protein change: p.Leu354Val; replaces leucine 354 with valine.
Molecular consequence: missense variant.
Genome position (GRCh38, 1-based): chr6:7,567,369, C>G. VCF-style: chr6-7567369-C-G. GRCh37 (hg19) VCF-style: chr6-7567602-C-G.
Other names: c.1060C>G, p.Leu354Val (NM_001008844.3, NM_001319034.2, NM_001406591.1); short protein forms L354V.
Identifiers: ClinVar variation 3074775 (VCV003074775.1), dbSNP rs2533879643, ClinGen allele CA362675502.